The following is an entry in ClinVar:

NM_000543.5(SMPD1):c.981_982del (p.Asn327fs)

Gene: SMPD1 (sphingomyelin phosphodiesterase 1; plus strand). Cytogenetic location: 11p15.4.
Variant type: Deletion.
Coding change: c.981_982del on transcript NM_000543.5 (MANE Select); coding-DNA positions 981 to 982, 2 bases deleted (TA; older notation c.981_982delTA).
Protein change: p.Asn327fs; shifts the reading frame from asparagine 327.
Molecular consequence: frameshift variant. On other transcripts: non-coding transcript variant (1).
Genome position (GRCh38, 1-based): chr11:6,392,046-6,392,047, TA deleted; deleting any 2 consecutive bases within chr11:6,392,045-6,392,047 gives the same sequence; the c. name uses the placement nearest the transcript's 3' end. VCF-style (leftmost placement, unchanged base first): chr11-6392044-AAT-A. GRCh37 (hg19) VCF-style: chr11-6413274-AAT-A.
Other names: c.978_979del, p.Asn326fs (NM_001007593.3); c.981_982del, p.Asn327fs (NM_001318087.2, NM_001365135.2); c.20_21del, p.Ile7fs (NM_001318088.2); short protein forms I7fs, N326fs, N327fs.
Identifiers: ClinVar variation 4814359 (VCV004814359.1).

ClinVar aggregate classification (germline): Likely pathogenic (1 of 4 stars; one submission).

Conditions:
Niemann-Pick disease, type A. Also called: SPHINGOMYELIN LIPIDOSIS; SPHINGOMYELINASE DEFICIENCY; Infantile Neurovisceral ASMD (Niemann-Pick Disease Type A; NPD-A). Identifiers: Orphanet 77292, MedGen C0268242, MONDO:0009756, OMIM 257200. Disease mechanism: loss of function.

Submission:

Natera, Inc.
Classification: Likely pathogenic for Niemann-Pick Disease, Types A/B. Last evaluated: 2025-07-05. Review status: criteria provided, single submitter. Criteria: Natera Variant Classification Schema (03/2026). Collection method: clinical testing. Allele origin: germline.
Comment: The c.981_982del variant in SMPD1 is a frameshift variant predicted to shift the reading frame beginning at codon 327 and leads to a stop codon 8 codons downstream. This variant is expected to result in nonsense mediated decay, truncation, or a dysfunctional protein product. This variant is rare in the general population with a frequency below the threshold expected for the associated phenotype(s). Given the available evidence, this variant is classified as Likely Pathogenic.